The following is an entry in ClinVar:

NM_000038.6(APC):c.5116T>C (p.Ser1706Pro)

Gene: APC (APC regulator of Wnt signaling pathway; plus strand). Cytogenetic location: 5q22.2.
Variant type: single nucleotide variant.
Coding change: c.5116T>C on transcript NM_000038.6 (MANE Select); coding-DNA position 5116, T replaced by C.
Protein change: p.Ser1706Pro; replaces serine 1706 with proline.
Molecular consequence: missense variant.
Genome position (GRCh38, 1-based): chr5:112,840,710, T>C. VCF-style: chr5-112840710-T-C. GRCh37 (hg19) VCF-style: chr5-112176407-T-C.
Other names: c.5116T>C, p.Ser1706Pro (NM_001127510.3, NM_001354895.2); c.5062T>C, p.Ser1688Pro (NM_001127511.3); c.5170T>C, p.Ser1724Pro (NM_001354896.2); c.5146T>C, p.Ser1716Pro (NM_001354897.2); c.5041T>C, p.Ser1681Pro (NM_001354898.2); c.5032T>C, p.Ser1678Pro (NM_001354899.2); c.4993T>C, p.Ser1665Pro (NM_001354900.2); c.4939T>C, p.Ser1647Pro (NM_001354901.2); and 5 more; short protein forms S1546P, S1605P, S1706P, S1423P, S1647P, S1688P, S1580P, S1665P.
Identifiers: ClinVar variation 924017 (VCV000924017.13), dbSNP rs1765850622, ClinGen allele CA16032513.
Genomic context (GRCh38, chr5:112,840,710, plus strand): 5'-AAACGAGATACCATTCCTACAGAAGGCAGAAGTACAGATGAGGCTCAAGGAGGAAAAACC[T>C]CATCTGTAACCATACCTGAATTGGATGACAATAAAGCAGAGGAAGGTGATATTCTTGCAG-3'
Protein context (NP_000029.2, residues 1696-1716): STDEAQGGKT[Ser1706Pro]SVTIPELDDN

ClinVar aggregate classification (germline): Uncertain significance. Review status: criteria provided, multiple submitters, no conflicts (2 of 4 stars). 3 submissions from 3 submitters: Uncertain significance (3). Last evaluated 2026-09-09.

Conditions:
Familial adenomatous polyposis 1 (FAP1). Also called: FAMILIAL ADENOMATOUS POLYPOSIS 1, ATTENUATED; POLYPOSIS, ADENOMATOUS INTESTINAL. Identifiers: MedGen C2713442, MONDO:0021056, OMIM 175100. Disease mechanism: loss of function.
Hereditary cancer-predisposing syndrome. Also called: Neoplastic Syndromes, Hereditary; Hereditary Cancer Syndrome; Tumor predisposition; Hereditary neoplastic syndrome. Identifiers: Orphanet 140162, MedGen C0027672, MeSH D009386, MONDO:0015356.

Submissions (3):

Ambry Genetics
Classification: Uncertain significance for Hereditary cancer-predisposing syndrome. Last evaluated: 2026-09-09. Review status: criteria provided, single submitter. Criteria: Ambry Variant Classification Scheme 2023. Collection method: clinical testing. Allele origin: germline.
Comment: The p.S1706P variant (also known as c.5116T>C), located in coding exon 15 of the APC gene, results from a T to C substitution at nucleotide position 5116. The serine at codon 1706 is replaced by proline, an amino acid with similar properties. This amino acid position is conserved. In addition, in silico predictors for this gene do not accurately predict pathogenicity. Based on the available evidence, the clinical significance of this variant remains unclear.

Color Diagnostics, LLC DBA Color Health
Classification: Uncertain significance for Hereditary cancer-predisposing syndrome. Last evaluated: 2023-12-05. Review status: criteria provided, single submitter. Criteria: ACMG Guidelines, 2015. Collection method: clinical testing. Allele origin: germline.
Comment: This missense variant replaces serine with proline at codon 1706 of the APC protein. Computational prediction suggests that this variant may not impact protein structure and function (internally defined REVEL score threshold <= 0.5, PMID: 27666373). To our knowledge, functional studies have not been reported for this variant. This variant has not been reported in individuals affected with APC-related disorders in the literature. This variant has not been identified in the general population by the Genome Aggregation Database (gnomAD). The available evidence is insufficient to determine the role of this variant in disease conclusively. Therefore, this variant is classified as a Variant of Uncertain Significance.

Labcorp Genetics (formerly Invitae), Labcorp
Classification: Uncertain significance for Familial adenomatous polyposis 1. Last evaluated: 2021-02-03. Review status: criteria provided, single submitter. Criteria: Invitae Variant Classification Sherloc (09022015). Collection method: clinical testing. Allele origin: germline.
Comment: In summary, the available evidence is currently insufficient to determine the role of this variant in disease. Therefore, it has been classified as a Variant of Uncertain Significance. Algorithms developed to predict the effect of missense changes on protein structure and function output the following: SIFT: "Tolerated"; PolyPhen-2: "Benign"; Align-GVGD: "Class C0". The proline amino acid residue is found in multiple mammalian species, suggesting that this missense change does not adversely affect protein function. These predictions have not been confirmed by published functional studies and their clinical significance is uncertain. This variant has not been reported in the literature in individuals with APC-related conditions. ClinVar contains an entry for this variant (Variation ID: 924017). This variant is not present in population databases (ExAC no frequency). This sequence change replaces serine with proline at codon 1706 of the APC protein (p.Ser1706Pro). The serine residue is moderately conserved and there is a moderate physicochemical difference between serine and proline.